The following is an entry in ClinVar:

ClinVar aggregate classification (germline): Uncertain significance (1 of 4 stars; one submission).

Conditions:
Hereditary spastic paraplegia 30. Identifiers: Orphanet 101010, MedGen C5235139, MONDO:0012476.
Neuropathy, hereditary sensory, type 2C. Also called: KIF1A-Related HSAN2 (HSAN2C); Hereditary sensory and autonomic neuropathy type IIC. Identifiers: Orphanet 970, MedGen C3280168, MONDO:0013634, OMIM 614213.
Intellectual disability, autosomal dominant 9 (NESCAVS). Also called: KIF1A-Related Neurodevelopmental Disorder; NESCAV SYNDROME. Identifiers: Orphanet 662367, MedGen C5393830, MONDO:0013656, OMIM 614255.

Allele frequency attached by ClinVar (database versions not stated): TOPMed below 0.00001; gnomAD 0.00002.

Submission:

Labcorp Genetics (formerly Invitae), Labcorp
Classification: Uncertain significance for Hereditary spastic paraplegia 30; Neuropathy, hereditary sensory, type 2C; Intellectual disability, autosomal dominant 9. Last evaluated: 2024-11-07. Review status: criteria provided, single submitter. Criteria: Invitae Variant Classification Sherloc (09022015). Collection method: clinical testing. Allele origin: germline.
Comment: This sequence change falls in intron 9 of the KIF1A gene. It does not directly change the encoded amino acid sequence of the KIF1A protein. It affects a nucleotide within the consensus splice site. This variant is present in population databases (no rsID available, gnomAD 0.01%). This variant has not been reported in the literature in individuals affected with KIF1A-related conditions. ClinVar contains an entry for this variant (Variation ID: 1494120). Variants that disrupt the consensus splice site are a relatively common cause of aberrant splicing (PMID: 17576681, 9536098). Algorithms developed to predict the effect of sequence changes on RNA splicing suggest that this variant is not likely to affect RNA splicing. In summary, the available evidence is currently insufficient to determine the role of this variant in disease. Therefore, it has been classified as a Variant of Uncertain Significance.

Literature cited by the submitters: PubMed 17576681; PubMed 9536098.

NM_001244008.2(KIF1A):c.882+4A>G

Gene: KIF1A (kinesin family member 1A; minus strand). Cytogenetic location: 2q37.3.
Variant type: single nucleotide variant.
Coding change: c.882+4A>G on transcript NM_001244008.2 (MANE Select); 4 bases into the intron after coding-DNA position 882, A replaced by G.
Molecular consequence: intron variant.
Genome position (GRCh38, 1-based): chr2:240,782,586, T>C on the plus strand (A>G on the coding strand, the complement: KIF1A is on the minus strand). VCF-style: chr2-240782586-T-C. GRCh37 (hg19) VCF-style: chr2-241722003-T-C.
Other names: c.882+4A>G (NM_001379653.1, NM_001379650.1, NM_001379645.1 and 20 more transcripts).
Identifiers: ClinVar variation 1494120 (VCV001494120.6), dbSNP rs1330207710, ClinGen allele CA540531895.